The following is an entry in ClinVar:

NM_001143979.2(NDE1):c.-564C>T

Gene: NDE1 (nudE neurodevelopment protein 1; plus strand). Cytogenetic location: 16p13.11.
Variant type: single nucleotide variant.
Coding change: c.-564C>T on transcript NM_001143979.2; 564 bases upstream of the start codon, C replaced by T.
Molecular consequence: 5 prime UTR variant.
Genome position (GRCh38, 1-based): chr16:15,643,529, C>T. VCF-style: chr16-15643529-C-T. GRCh37 (hg19) VCF-style: chr16-15737386-C-T.
Identifiers: ClinVar variation 318021 (VCV000318021.8), dbSNP rs79063947, ClinGen allele CA10647051.

ClinVar aggregate classification (germline): Benign. Review status: criteria provided, multiple submitters, no conflicts (2 of 4 stars). 2 submissions from 2 submitters: Benign (2). Last evaluated 2018-01-13.

Conditions:
Lissencephaly 4 (LIS4). Also called: Lissencephaly 4 (with microcephaly). Identifiers: Orphanet 1083, MedGen C3151461, MONDO:0013527, OMIM 614019.

Allele frequency attached by ClinVar (database versions not stated): gnomAD exomes 0.00177; 1000 Genomes Project 30x 0.02436; 1000 Genomes Project 0.02516.
gnomAD v4.1: 1,052 of 361,894 alleles (0.29%); highest among the groups gnomAD compares: East Asian, 8.6%; 36 homozygotes.

Submissions (2):

Illumina Laboratory Services, Illumina
Classification: Benign for Lissencephaly 4. Last evaluated: 2018-01-13. Review status: criteria provided, single submitter. Criteria: ICSL Variant Classification Criteria 13 December 2019. Collection method: clinical testing. Allele origin: germline.
Comment: This variant was observed in the ICSL laboratory as part of a predisposition screen in an ostensibly healthy population. It had not been previously curated by ICSL or reported in the Human Gene Mutation Database (HGMD: prior to June 1st, 2018), and was therefore a candidate for classification through an automated scoring system. Utilizing variant allele frequency, disease prevalence and penetrance estimates, and inheritance mode, an automated score was calculated to assess if this variant is too frequent to cause the disease. Based on the score and internal cut-off values, a variant classified as benign is not then subjected to further curation. The score for this variant resulted in a classification of benign for this disease.

Breakthrough Genomics
Classification: Benign. Review status: criteria provided, single submitter. Criteria: ACMG Guidelines, 2015. Collection method: not provided. Allele origin: germline. Inheritance: Autosomal recessive inheritance. Affected: yes.